The following is an entry in ClinVar:

ClinVar aggregate classification (germline): Uncertain significance (1 of 4 stars; one submission).

Conditions:
Ullrich congenital muscular dystrophy 2 (UCMD2). Identifiers: Orphanet 75840, MedGen C4225314, MONDO:0014654, OMIM 616470.
Bethlem myopathy 2 (BTHLM2). Identifiers: Orphanet 536516, Orphanet 610, MedGen C4225313, MONDO:0034022, OMIM 616471.

Submission:

Labcorp Genetics (formerly Invitae), Labcorp
Classification: Uncertain significance for Bethlem myopathy 2; Ullrich congenital muscular dystrophy 2. Last evaluated: 2021-03-24. Review status: criteria provided, single submitter. Criteria: Invitae Variant Classification Sherloc (09022015). Collection method: clinical testing. Allele origin: germline.
Comment: This sequence change replaces asparagine with histidine at codon 2571 of the COL12A1 protein (p.Asn2571His). The asparagine residue is moderately conserved and there is a small physicochemical difference between asparagine and histidine. This variant is not present in population databases (ExAC no frequency). This variant has not been reported in the literature in individuals with COL12A1-related conditions. Advanced modeling of protein sequence and biophysical properties (such as structural, functional, and spatial information, amino acid conservation, physicochemical variation, residue mobility, and thermodynamic stability) performed at Invitae indicates that this missense variant is expected to disrupt COL12A1 protein function. In summary, the available evidence is currently insufficient to determine the role of this variant in disease. Therefore, it has been classified as a Variant of Uncertain Significance.

NM_004370.6(COL12A1):c.7711A>C (p.Asn2571His)

Gene: COL12A1 (collagen type XII alpha 1 chain; minus strand). Cytogenetic location: 6q13.
Variant type: single nucleotide variant.
Coding change: c.7711A>C on transcript NM_004370.6 (MANE Select); coding-DNA position 7711, A replaced by C.
Protein change: p.Asn2571His; replaces asparagine 2571 with histidine.
Molecular consequence: missense variant.
Genome position (GRCh38, 1-based): chr6:75,113,731, T>G on the plus strand (A>C on the coding strand, the complement: COL12A1 is on the minus strand). VCF-style: chr6-75113731-T-G. GRCh37 (hg19) VCF-style: chr6-75823447-T-G.
Other names: c.4219A>C, p.Asn1407His (NM_080645.3); short protein forms N1407H, N2571H.
Identifiers: ClinVar variation 1518860 (VCV001518860.8), dbSNP rs1364305836, ClinGen allele CA364744472.
Genomic context (GRCh38, chr6:75,113,731, plus strand): 5'-TGGGAGTTTCTGGGAGAAGTCTGAATAATAATATAATCGTGTATGAAGGAGGGAGTCCAT[T>G]TGGGTGTAGGTCTCTGTTGGATAAAACAAAAGAAAGAAAAAGGAGAGGAAAGAAAAAAAG-3'
Protein context (NP_004361.3, residues 2561-2581): VNQPTADLHP[Asn2571His]GLPPSYTIIL